The following is an entry in ClinVar:

ClinVar aggregate classification (germline): Likely benign. Review status: criteria provided, multiple submitters, no conflicts (2 of 4 stars). 2 submissions from 2 submitters: Likely benign (2). Last evaluated 2026-01-24.

Allele frequency attached by ClinVar (database versions not stated): gnomAD 0.00007; TOPMed 0.00007; gnomAD exomes 0.00008; ExAC 0.00015; 1000 Genomes Project 30x 0.00016; 1000 Genomes Project 0.00020.

Submissions (2):

Labcorp Genetics (formerly Invitae), Labcorp
Classification: Likely benign. Last evaluated: 2026-01-24. Review status: criteria provided, single submitter. Criteria: Invitae Variant Classification Sherloc (09022015). Collection method: clinical testing. Allele origin: germline.

Mayo Clinic Laboratories, Mayo Clinic
Classification: Likely benign. Last evaluated: 2025-07-15. Review status: criteria provided, single submitter. Criteria: ACMG Guidelines, 2015. Collection method: clinical testing. Allele origin: germline. Observed: 1 variant allele.
Comment: BS1

Literature cited by the submitters: PubMed 19284998 (cited by Mayo Clinic Laboratories, Mayo Clinic).

NM_001171.6(ABCC6):c.2849C>T (p.Ala950Val)

Gene: ABCC6 (ATP binding cassette subfamily C member 6; minus strand). Cytogenetic location: 16p13.11.
Variant type: single nucleotide variant.
Coding change: c.2849C>T on transcript NM_001171.6 (MANE Select); coding-DNA position 2849, C replaced by T.
Protein change: p.Ala950Val; replaces alanine 950 with valine.
Molecular consequence: missense variant. On other transcripts: non-coding transcript variant (1).
Genome position (GRCh38, 1-based): chr16:16,169,792, G>A on the plus strand (C>T on the coding strand, the complement: ABCC6 is on the minus strand). VCF-style: chr16-16169792-G-A. GRCh37 (hg19) VCF-style: chr16-16263649-G-A.
Other names: p.Ala950Val; c.2849C>T (NM_001171.5); c.2507C>T, p.Ala836Val (NM_001351800.1); short protein forms A836V, A950V.
Identifiers: ClinVar variation 2137791 (VCV002137791.5), dbSNP rs190557767, ClinGen allele CA7925766.